The following is an entry in ClinVar:

NM_000532.5(PCCB):c.131G>A (p.Arg44Gln)

Gene: PCCB (propionyl-CoA carboxylase subunit beta; plus strand). Cytogenetic location: 3q22.3.
Variant type: single nucleotide variant.
Coding change: c.131G>A on transcript NM_000532.5 (MANE Select); coding-DNA position 131, G replaced by A.
Protein change: p.Arg44Gln; replaces arginine 44 with glutamine.
Molecular consequence: missense variant.
Genome position (GRCh38, 1-based): chr3:136,250,506, G>A. VCF-style: chr3-136250506-G-A. GRCh37 (hg19) VCF-style: chr3-135969348-G-A.
Other names: c.131G>A, p.Arg44Gln (NM_001178014.2); short protein forms R44Q.
Identifiers: ClinVar variation 1195030 (VCV001195030.5), dbSNP rs375014273, ClinGen allele CA2631579.

ClinVar aggregate classification (germline): Uncertain significance. Review status: criteria provided, multiple submitters, no conflicts (2 of 4 stars). 3 submissions from 3 submitters: Uncertain significance (2). 1 of the submissions does not count toward it. Last evaluated 2022-07-06.

Conditions:
Propionic acidemia (PROP). Also called: GLYCINEMIA, KETOTIC; HYPERGLYCINEMIA WITH KETOACIDOSIS AND LEUKOPENIA; KETOTIC HYPERGLYCINEMIA. Identifiers: Orphanet 35, MedGen C0268579, MONDO:0011628, OMIM 606054, HP:0003571.

Allele frequency attached by ClinVar (database versions not stated): gnomAD exomes 0.00001; gnomAD 0.00002; TOPMed 0.00002; ESP Exome Variant Server 0.00015.
gnomAD v4.1: 18 of 1,612,874 alleles (0.0011%); highest among the groups gnomAD compares: Non-Finnish European, 0.0014%; no homozygotes.

Submissions (3):

Labcorp Genetics (formerly Invitae), Labcorp
Classification: Uncertain significance for Propionic acidemia. Last evaluated: 2022-07-06. Review status: criteria provided, single submitter. Criteria: Invitae Variant Classification Sherloc (09022015). Collection method: clinical testing. Allele origin: germline.
Comment: This sequence change replaces arginine, which is basic and polar, with glutamine, which is neutral and polar, at codon 44 of the PCCB protein (p.Arg44Gln). This variant is present in population databases (rs375014273, gnomAD 0.002%). This variant has not been reported in the literature in individuals affected with PCCB-related conditions. ClinVar contains an entry for this variant (Variation ID: 1195030). Advanced modeling of protein sequence and biophysical properties (such as structural, functional, and spatial information, amino acid conservation, physicochemical variation, residue mobility, and thermodynamic stability) performed at Invitae indicates that this missense variant is not expected to disrupt PCCB protein function. In summary, the available evidence is currently insufficient to determine the role of this variant in disease. Therefore, it has been classified as a Variant of Uncertain Significance.

GeneDx
Classification: Uncertain significance. Last evaluated: 2021-01-18. Review status: criteria provided, single submitter. Criteria: GeneDx Variant Classification Process June 2021. Collection method: clinical testing. Allele origin: germline. Affected: yes.
Comment: Has not been previously published as pathogenic or benign to our knowledge; In silico analysis supports that this missense variant does not alter protein structure/function; Not observed at a significant frequency in large population cohorts (Lek et al., 2016)

Natera, Inc.
Classification: Uncertain significance for Propionic acidemia. Last evaluated: 2021-04-01. Review status: no assertion criteria provided. Collection method: clinical testing. Allele origin: germline. Not counted in ClinVar's aggregate classification.